The following is an entry in ClinVar:

NM_000268.4(NF2):c.683del (p.Lys228fs)

Gene: NF2 (NF2, moesin-ezrin-radixin like (MERLIN) tumor suppressor; plus strand). Cytogenetic location: 22q12.2.
Variant type: Deletion.
Coding change: c.683del on transcript NM_000268.4 (MANE Select); coding-DNA position 683, one base deleted (A; older notation c.683delA).
Protein change: p.Lys228fs; shifts the reading frame from lysine 228.
Molecular consequence: frameshift variant. On other transcripts: non-coding transcript variant (1), intron variant (4).
Genome position (GRCh38, 1-based): chr22:29,661,212, A deleted; the last of 5 consecutive A bases (chr22:29,661,208-29,661,212); deleting any one gives the same sequence. VCF-style (leftmost placement, unchanged base first): chr22-29661207-TA-T. GRCh37 (hg19) VCF-style: chr22-30057196-TA-T.
Other names: c.569del, p.Lys190fs (NM_001407053.1, NM_001407056.1); c.560del, p.Lys187fs (NM_001407054.1, NM_001407058.1, NM_181829.3); c.557del, p.Lys186fs (NM_001407055.1, NM_181828.3); c.683del, p.Lys228fs (NM_001407060.1, NM_001407066.1, NM_016418.5 and 2 more transcripts); c.434del, p.Lys145fs (NM_001407063.1, NM_001407064.1, NM_181830.3 and 1 more transcripts); c.149del, p.Lys50fs (NM_001407065.1); c.452del, p.Lys151fs (NM_001407067.1); c.675+2948del (NM_001407059.1, NM_001407057.1); and 2 more; short protein forms K145fs, K151fs, K186fs, K187fs, K190fs, K228fs, K50fs.
Identifiers: ClinVar variation 3897740 (VCV003897740.1).

ClinVar aggregate classification (oncogenicity): Oncogenic (1 of 4 stars; one submission).

Conditions:
Meningioma. Also called: Meningioma, somatic. Identifiers: Orphanet 2495, MedGen C0025286, MONDO:0016642, HP:0002858.

Submission:

Dr. Guy Rouleau's laboratory, McGill University
Classification: Oncogenic for Meningioma. Last evaluated: 2025-03-30. Review status: criteria provided, single submitter. Criteria: ClinGen/CGC/VICC Guidelines for Oncogenicity, 2022. Collection method: research. Allele origin: somatic. Affected: yes.
Comment: This frameshift variant generates a premature translational stop signal (p.Lys228fs) in the NF2 gene, which is expected to result in an absent or disrupted protein product. Loss-of-function variants in NF2 are well-documented as pathogenic (PMIDs: 8755919, 9643284, 16983642). This somatic variant was identified in a paired tumor-blood sequencing study of meningiomas. It has been reported in one patient with atypical meningioma (PMID: 35774130). However, it has not been reported in population databases (gnomAD v2.1.1: no frequency).